The following is an entry in ClinVar:

NM_003072.5(SMARCA4):c.3765G>A (p.Glu1255=)

Gene: SMARCA4 (SWI/SNF related BAF chromatin remodeling complex subunit ATPase 4; plus strand). Cytogenetic location: 19p13.2.
Variant type: single nucleotide variant.
Coding change: c.3765G>A on transcript NM_003072.5 (MANE Select); coding-DNA position 3765, G replaced by A.
Protein change: p.Glu1255=; no amino-acid change (glutamic acid 1255 retained).
Molecular consequence: synonymous variant. On other transcripts: non-coding transcript variant (1).
Genome position (GRCh38, 1-based): chr19:11,033,508, G>A. VCF-style: chr19-11033508-G-A. GRCh37 (hg19) VCF-style: chr19-11144184-G-A.
Other names: c.3765G>A, p.Glu1255= (NM_001128844.3, NM_001128845.2, NM_001128846.2 and 5 more transcripts); c.3765G>A (NM_001128849.2).
Identifiers: ClinVar variation 238435 (VCV000238435.24), dbSNP rs183060137, ClinGen allele CA9204498.

ClinVar aggregate classification (germline): Benign/Likely benign. Review status: criteria provided, multiple submitters, no conflicts (2 of 4 stars). 8 submissions from 8 submitters: Benign (6); Likely benign (2). Last evaluated 2026-07-15.

Conditions:
Intellectual disability, autosomal dominant 16 (CSS4). Also called: COFFIN-SIRIS SYNDROME 4. Identifiers: Orphanet 1465, MedGen C3553249, MONDO:0013821, OMIM 614609.
Rhabdoid tumor predisposition syndrome 2 (RTPS2). Identifiers: Orphanet 231108, Orphanet 69077, MedGen C2750074, MONDO:0013224, OMIM 613325.
Otosclerosis 12. Identifiers: MedGen C5935610, MONDO:0968980, OMIM 620792.
SMARCA4-related disorder. Also called: SMARCA4-related condition.
Hereditary cancer-predisposing syndrome. Also called: Hereditary Cancer Syndrome; Tumor predisposition; Hereditary neoplastic syndrome; Neoplastic Syndromes, Hereditary. Identifiers: Orphanet 140162, MedGen C0027672, MeSH D009386, MONDO:0015356.

Allele frequency attached by ClinVar (database versions not stated): TOPMed 0.00007; 1000 Genomes Project 0.00040; gnomAD 0.00007 and 0.00004; gnomAD exomes 0.00011 and 0.00005; ExAC 0.00016; 1000 Genomes Project 30x 0.00031.
gnomAD v4.1: 75 of 1,612,236 alleles (0.0047%); highest among the groups gnomAD compares: East Asian, 0.16%; no homozygotes.

Submissions (8):

Myriad Genetics, Inc.
Classification: Benign for Rhabdoid tumor predisposition syndrome 2. Last evaluated: 2026-07-15. Review status: criteria provided, single submitter. Criteria: Myriad Autosomal Dominant, Autosomal Recessive and X-Linked Classification Criteria (2023). Collection method: clinical testing. Allele origin: unknown.
Comment: This variant is considered benign. This variant is a silent/synonymous amino acid change and it is not expected to impact splicing.

PreventionGenetics, part of Exact Sciences
Classification: Likely benign for SMARCA4-related condition. Last evaluated: 2026-05-15. Review status: criteria provided, single submitter. Criteria: ACMG Guidelines, 2015. Collection method: clinical testing. Allele origin: germline.
Comment: This variant is classified as likely benign based on ACMG/AMP sequence variant interpretation guidelines (Richards et al. 2015 PMID: 25741868, with internal and published modifications).

Labcorp Genetics (formerly Invitae), Labcorp
Classification: Benign for Rhabdoid tumor predisposition syndrome 2. Last evaluated: 2026-01-20. Review status: criteria provided, single submitter. Criteria: Invitae Variant Classification Sherloc (09022015). Collection method: clinical testing. Allele origin: germline.

Quest Diagnostics Nichols Institute San Juan Capistrano
Classification: Benign. Last evaluated: 2025-11-05. Review status: criteria provided, single submitter. Criteria: Quest Diagnostics criteria. Collection method: clinical testing. Allele origin: unknown.

Department of Pathology and Laboratory Medicine, Sinai Health System
Classification: Likely benign for Rhabdoid tumor predisposition syndrome 2; Intellectual disability, autosomal dominant 16; Otosclerosis 12. Last evaluated: 2022-08-19. Review status: criteria provided, single submitter. Criteria: ACMG Guidelines, 2015. Collection method: clinical testing. Allele origin: germline. Affected: yes.

Sema4
Classification: Benign for Hereditary cancer-predisposing syndrome. Last evaluated: 2021-11-16. Review status: criteria provided, single submitter. Criteria: Sema4 Curation Guidelines. Collection method: curation. Allele origin: germline.

Genome-Nilou Lab
Classification: Benign for Intellectual disability, autosomal dominant 16. Last evaluated: 2021-07-15. Review status: criteria provided, single submitter. Criteria: ACMG Guidelines, 2015. Collection method: clinical testing. Allele origin: germline. Affected: no.

Ambry Genetics
Classification: Benign for Hereditary cancer-predisposing syndrome. Last evaluated: 2016-02-29. Review status: criteria provided, single submitter. Criteria: Ambry Variant Classification Scheme 2023. Collection method: clinical testing. Allele origin: germline.